The following is an entry in ClinVar:

NM_022168.4(IFIH1):c.1822_1824del (p.Asn608del)

Gene: IFIH1 (interferon induced with helicase C domain 1; minus strand). Cytogenetic location: 2q24.2.
Variant type: Deletion.
Coding change: c.1822_1824del on transcript NM_022168.4 (MANE Select); coding-DNA positions 1822 to 1824, 3 bases deleted (AAT; older notation c.1822_1824delAAT).
Protein change: p.Asn608del; deletes asparagine 608.
Molecular consequence: inframe deletion.
Genome position (GRCh38, 1-based): chr2:162,277,635-162,277,637, ATT deleted on the plus strand (AAT on the coding strand, the reverse complement: IFIH1 is on the minus strand). VCF-style (leftmost placement, unchanged base first): chr2-162277634-CATT-C. GRCh37 (hg19) VCF-style: chr2-163134144-CATT-C.
Other names: short protein forms N608del.
Identifiers: ClinVar variation 2932479 (VCV002932479.3), dbSNP rs1455549320, ClinGen allele CA537507459.

ClinVar aggregate classification (germline): Uncertain significance (1 of 4 stars; one submission).

Conditions:
Singleton-Merten syndrome 1 (SGMRT1). Also called: Widened medullary cavities of bone, aortic calcification, abnormal dentition, and muscular weakness; Syndrome of widened medullary cavities of the metacarpals and phalanges, aortic calcification and abnormal dentition. Identifiers: Orphanet 85191, MedGen C4225427, MONDO:0024535, OMIM 182250.
Aicardi-Goutieres syndrome 7 (AGS7). Identifiers: Orphanet 51, MedGen C3888244, MONDO:0014367, OMIM 615846.

Allele frequency attached by ClinVar (database versions not stated): gnomAD exomes 0.00004; TOPMed below 0.00001.

Submission:

Labcorp Genetics (formerly Invitae), Labcorp
Classification: Uncertain significance for Aicardi-Goutieres syndrome 7; Singleton-Merten syndrome 1. Last evaluated: 2025-11-16. Review status: criteria provided, single submitter. Criteria: Invitae Variant Classification Sherloc (09022015). Collection method: clinical testing. Allele origin: germline.
Comment: This variant, c.1822_1824del, results in the deletion of 1 amino acid(s) of the IFIH1 protein (p.Asn608del), but otherwise preserves the integrity of the reading frame. This variant is present in population databases (no rsID available, gnomAD 0.002%). This variant has not been reported in the literature in individuals affected with IFIH1-related conditions. ClinVar contains an entry for this variant (Variation ID: 2932479). Experimental studies and prediction algorithms are not available or were not evaluated, and the functional significance of this variant is currently unknown. In summary, the available evidence is currently insufficient to determine the role of this variant in disease. Therefore, it has been classified as a Variant of Uncertain Significance.